The following is an entry in ClinVar:

NM_001286577.2(C2CD3):c.2720A>G (p.Tyr907Cys)

Gene: C2CD3 (C2 domain containing 3 centriole elongation regulator; minus strand). Cytogenetic location: 11q13.4.
Variant type: single nucleotide variant.
Coding change: c.2720A>G on transcript NM_001286577.2 (MANE Select); coding-DNA position 2720, A replaced by G.
Protein change: p.Tyr907Cys; replaces tyrosine 907 with cysteine.
Molecular consequence: missense variant.
Genome position (GRCh38, 1-based): chr11:74,100,537, T>C on the plus strand (A>G on the coding strand, the complement: C2CD3 is on the minus strand). VCF-style: chr11-74100537-T-C. GRCh37 (hg19) VCF-style: chr11-73811582-T-C.
Other names: c.2720A>G, p.Tyr907Cys (NM_015531.6); short protein forms Y907C.
Identifiers: ClinVar variation 2585642 (VCV002585642.2), dbSNP rs2496439292, ClinGen allele CA381831544.
Genomic context (GRCh38, chr11:74,100,537, plus strand): 5'-CAAAGTTAAAGATGCACAATAAAGAATACTCCAAAAGGTCCTATTTACTTGAATGACATG[T>C]AAAACTGGTGGAGGGGAAGTTTCACCAGCCCGAGCAGCTTGTCCTGTCCTGGGCTCCGCA-3'
Protein context (NP_001273506.1, residues 897-917): GLVKLPLHQF[Tyr907Cys]MSFKDAKISR

ClinVar aggregate classification (germline): Likely pathogenic (0 of 4 stars; one submission).

Conditions:
Orofaciodigital syndrome type 14. Also called: Orofaciodigital syndrome xiv. Identifiers: Orphanet 434179, MedGen C4706604, MONDO:0014413, OMIM 615948.

Submission:

Department of Pediatrics, National Cheng-Kung University Hospital
Classification: Likely pathogenic for Orofaciodigital syndrome type 14. Review status: no assertion criteria provided. Collection method: clinical testing. Allele origin: germline. Inheritance: Autosomal recessive inheritance. Affected: yes.
Comment: The Y907C allele in C2CD3 is a novel missense variant predicted to be pathogenic by multiple in silico predictive software. Clinical manifestations include dysmorphism, microcephaly, trigonocephaly, ambiguous genitalia, and intellectual disability. The variant is located at the C2 domain of the C2CD3 protein, known to function in protein-protein interactions. Additionally, it affects an evolutionarily conserved amino acid residue of the C2CD3 protein. In summary, the variant meets two moderate (PM2) and two supporting (PP3 and PP4) ACMG criteria during variant interpretation; therefore, it is classified as likely pathogenic.